The following is an entry in ClinVar:

NM_018699.4(PRDM5):c.217G>T (p.Ala73Ser)

Gene: PRDM5 (PR/SET domain 5; minus strand). Cytogenetic location: 4q27.
Variant type: single nucleotide variant.
Coding change: c.217G>T on transcript NM_018699.4 (MANE Select); coding-DNA position 217, G replaced by T.
Protein change: p.Ala73Ser; replaces alanine 73 with serine.
Molecular consequence: missense variant.
Genome position (GRCh38, 1-based): chr4:120,853,501, C>A on the plus strand (G>T on the coding strand, the complement: PRDM5 is on the minus strand). VCF-style: chr4-120853501-C-A. GRCh37 (hg19) VCF-style: chr4-121774656-C-A.
Other names: c.217G>T, p.Ala73Ser (NM_001300823.2, NM_001300824.2, NM_001379104.1 and 1 more transcripts); short protein forms A73S.
Identifiers: ClinVar variation 4862479 (VCV004862479.1).

ClinVar aggregate classification (germline): Uncertain significance (1 of 4 stars; one submission).

Conditions:
Cardiovascular phenotype. Identifiers: MedGen CN230736.

gnomAD v4.1: 13 of 1,613,750 alleles (0.00081%); highest among the groups gnomAD compares: African/African-American, 0.0013%; no homozygotes.

Submission:

Ambry Genetics
Classification: Uncertain significance for Cardiovascular phenotype. Last evaluated: 2026-03-15. Review status: criteria provided, single submitter. Criteria: Ambry Variant Classification Scheme 2023. Collection method: clinical testing. Allele origin: germline.
Comment: The p.A73S variant (also known as c.217G>T), located in coding exon 3 of the PRDM5 gene, results from a G to T substitution at nucleotide position 217. The alanine at codon 73 is replaced by serine, an amino acid with similar properties. This amino acid position is conserved. In addition, the in silico prediction for this alteration is inconclusive. Based on the available evidence, the clinical significance of this variant remains unclear.